The following is an entry in ClinVar:

NM_001846.4(COL4A2):c.3400G>A (p.Gly1134Arg)

Gene: COL4A2 (collagen type IV alpha 2 chain; plus strand). Cytogenetic location: 13q34.
Variant type: single nucleotide variant.
Coding change: c.3400G>A on transcript NM_001846.4 (MANE Select); coding-DNA position 3400, G replaced by A.
Protein change: p.Gly1134Arg; replaces glycine 1134 with arginine.
Molecular consequence: missense variant.
Genome position (GRCh38, 1-based): chr13:110,491,286, G>A. VCF-style: chr13-110491286-G-A. GRCh37 (hg19) VCF-style: chr13-111143633-G-A.
Other names: short protein forms G1134R.
Identifiers: ClinVar variation 427143 (VCV000427143.3), dbSNP rs1085307983, ClinGen allele CA388731780.

ClinVar aggregate classification (germline): Pathogenic (1 of 4 stars; one submission).

Submission:

GeneDx
Classification: Pathogenic. Last evaluated: 2025-06-24. Review status: criteria provided, single submitter. Criteria: GeneDx Variant Classification Process June 2021. Collection method: clinical testing. Allele origin: germline. Affected: yes.
Comment: Affects a glycine residue in a Gly-X-Y motif in the triple helical region of the COL4A2 gene, where the majority of pathogenic missense variants occur, and is predicted to disrupt normal protein folding and function (PMIDs 22522439, 23225343; HGMD); Not observed at significant frequency in large population cohorts (gnomAD); In silico analysis supports that this missense variant has a deleterious effect on protein structure/function; Has not been previously published as pathogenic or benign to our knowledge; This variant is associated with the following publications: (PMID: 22522439, 23225343, 24077912)